The following is an entry in ClinVar:

ClinVar aggregate classification (germline): Uncertain significance (1 of 4 stars; one submission).

Conditions:
Peutz-Jeghers syndrome (PJS). Also called: POLYPOSIS, HAMARTOMATOUS INTESTINAL; POLYPS-AND-SPOTS SYNDROME; Peutz-Jeghers polyposis; Periorificial lentiginosis syndrome. Identifiers: Orphanet 2869, MedGen C0031269, MeSH D010580, MONDO:0008280, OMIM 175200.

Submission:

Labcorp Genetics (formerly Invitae), Labcorp
Classification: Uncertain significance for Peutz-Jeghers syndrome. Last evaluated: 2025-05-07. Review status: criteria provided, single submitter. Criteria: Invitae Variant Classification Sherloc (09022015). Collection method: clinical testing. Allele origin: germline.
Comment: This sequence change replaces glycine, which is neutral and non-polar, with tryptophan, which is neutral and slightly polar, at codon 56 of the STK11 protein (p.Gly56Trp). This variant is not present in population databases (gnomAD no frequency). This variant has not been reported in the literature in individuals affected with STK11-related conditions. ClinVar contains an entry for this variant (Variation ID: 1352134). Invitae Evidence Modeling of protein sequence and biophysical properties (such as structural, functional, and spatial information, amino acid conservation, physicochemical variation, residue mobility, and thermodynamic stability) has been performed for this missense variant. However, the output from this modeling did not meet the statistical confidence thresholds required to predict the impact of this variant on STK11 protein function. Experimental studies have shown that this missense change affects STK11 function (PMID: 34849607). In summary, the available evidence is currently insufficient to determine the role of this variant in disease. Therefore, it has been classified as a Variant of Uncertain Significance.

Literature cited by the submitters: PubMed 34849607.

NM_000455.5(STK11):c.166G>T (p.Gly56Trp)

Gene: STK11 (serine/threonine kinase 11; plus strand). Cytogenetic location: 19p13.3.
Variant type: single nucleotide variant.
Coding change: c.166G>T on transcript NM_000455.5 (MANE Select); coding-DNA position 166, G replaced by T.
Protein change: p.Gly56Trp; replaces glycine 56 with tryptophan.
Molecular consequence: missense variant.
Genome position (GRCh38, 1-based): chr19:1,207,079, G>T. VCF-style: chr19-1207079-G-T. GRCh37 (hg19) VCF-style: chr19-1207078-G-T.
Other names: short protein forms G56W.
Identifiers: ClinVar variation 1352134 (VCV001352134.6), dbSNP rs753252227, ClinGen allele CA402944128.